The following is an entry in ClinVar:

ClinVar aggregate classification (germline): Uncertain significance (1 of 4 stars; one submission).

Conditions:
Hereditary breast ovarian cancer syndrome. Also called: Hereditary breast and ovarian cancer syndrome; Hereditary breast and ovarian cancer syndrome (HBOC); Hereditary breast and/or ovarian cancer syndrome; Hereditary breast and ovarian cancer; Breast and ovarian cancer; BRCA1- and BRCA2-Associated Hereditary Breast and Ovarian Cancer. Identifiers: Orphanet 145, MedGen C0677776, MeSH D061325, MONDO:0003582. Disease mechanism: loss of function.

Submission:

Labcorp Genetics (formerly Invitae), Labcorp
Classification: Uncertain significance for Hereditary breast ovarian cancer syndrome. Last evaluated: 2023-12-13. Review status: criteria provided, single submitter. Criteria: Invitae Variant Classification Sherloc (09022015). Collection method: clinical testing. Allele origin: germline.
Comment: This sequence change replaces glutamic acid, which is acidic and polar, with lysine, which is basic and polar, at codon 1126 of the BRCA2 protein (p.Glu1126Lys). This variant is not present in population databases (gnomAD no frequency). This variant has not been reported in the literature in individuals affected with BRCA2-related conditions. Advanced modeling of protein sequence and biophysical properties (such as structural, functional, and spatial information, amino acid conservation, physicochemical variation, residue mobility, and thermodynamic stability) performed at Invitae indicates that this missense variant is not expected to disrupt BRCA2 protein function with a negative predictive value of 95%. In summary, the available evidence is currently insufficient to determine the role of this variant in disease. Therefore, it has been classified as a Variant of Uncertain Significance.

NM_000059.4(BRCA2):c.3376G>A (p.Glu1126Lys)

Gene: BRCA2 (BRCA2 DNA repair associated; plus strand). Cytogenetic location: 13q13.1.
Variant type: single nucleotide variant.
Coding change: c.3376G>A on transcript NM_000059.4 (MANE Select); coding-DNA position 3376, G replaced by A.
Protein change: p.Glu1126Lys; replaces glutamic acid 1126 with lysine.
Molecular consequence: missense variant. On other transcripts: non-coding transcript variant (1), intron variant (2).
Genome position (GRCh38, 1-based): chr13:32,337,731, G>A. VCF-style: chr13-32337731-G-A. GRCh37 (hg19) VCF-style: chr13-32911868-G-A.
Other names: c.3376G>A, p.Glu1126Lys (NM_001406719.1, NM_001406720.1); c.1909+4344G>A (NM_001406721.1); c.424+6701G>A (NM_001406722.1); short protein forms E1126K.
Identifiers: ClinVar variation 2794278 (VCV002794278.3), dbSNP rs1555283206, ClinGen allele CA387776414.